The following is an entry in ClinVar:

NM_005677.4(COLQ):c.19A>G (p.Met7Val)

Gene: COLQ (collagen like tail subunit of asymmetric acetylcholinesterase; minus strand). Cytogenetic location: 3p25.1.
Variant type: single nucleotide variant.
Coding change: c.19A>G on transcript NM_005677.4 (MANE Select); coding-DNA position 19, A replaced by G.
Protein change: p.Met7Val; replaces methionine 7 with valine.
Molecular consequence: missense variant.
Genome position (GRCh38, 1-based): chr3:15,521,607, T>C on the plus strand (A>G on the coding strand, the complement: COLQ is on the minus strand). VCF-style: chr3-15521607-T-C. GRCh37 (hg19) VCF-style: chr3-15563114-T-C.
Other names: c.19A>G, p.Met7Val (NM_080539.4); short protein forms M7V.
Identifiers: ClinVar variation 835760 (VCV000835760.14), dbSNP rs774887446, ClinGen allele CA2276402.

ClinVar aggregate classification (germline): Conflicting classifications of pathogenicity. Review status: criteria provided, conflicting classifications (1 of 4 stars). 3 submissions from 3 submitters: Uncertain significance (2); Likely benign (1). Last evaluated 2024-12-31.

Conditions:
Congenital myasthenic syndrome 5. Identifiers: Orphanet 590, MedGen C1864233, MONDO:0011281, OMIM 603034.
Inborn genetic diseases. Identifiers: MedGen C0950123, MeSH D030342.

Allele frequency attached by ClinVar (database versions not stated): gnomAD 0.00001 and 0.00003; gnomAD exomes 0.00004 and 0.00009; TOPMed 0.00004; ExAC 0.00008.

Submissions (3):

Ambry Genetics
Classification: Likely benign for Inborn genetic diseases. Last evaluated: 2024-12-31. Review status: criteria provided, single submitter. Criteria: Ambry Variant Classification Scheme 2023. Collection method: clinical testing. Allele origin: germline.

Labcorp Genetics (formerly Invitae), Labcorp
Classification: Uncertain significance for Congenital myasthenic syndrome 5. Last evaluated: 2019-12-15. Review status: criteria provided, single submitter. Criteria: Invitae Variant Classification Sherloc (09022015). Collection method: clinical testing. Allele origin: germline.
Comment: This variant is present in population databases (rs774887446, ExAC 0.06%). In summary, the available evidence is currently insufficient to determine the role of this variant in disease. Therefore, it has been classified as a Variant of Uncertain Significance. Algorithms developed to predict the effect of sequence changes on RNA splicing suggest that this variant may create or strengthen a splice site, but this prediction has not been confirmed by published transcriptional studies. Algorithms developed to predict the effect of missense changes on protein structure and function output the following: SIFT: "Tolerated"; PolyPhen-2: "Benign"; Align-GVGD: "Class C0". The valine amino acid residue is found in multiple mammalian species, suggesting that this missense change does not adversely affect protein function. These predictions have not been confirmed by published functional studies and their clinical significance is uncertain. This variant has not been reported in the literature in individuals with COLQ-related conditions. This sequence change replaces methionine with valine at codon 7 of the COLQ protein (p.Met7Val). The methionine residue is weakly conserved and there is a small physicochemical difference between methionine and valine.

Illumina Laboratory Services, Illumina
Classification: Uncertain significance for Congenital myasthenic syndrome 5. Last evaluated: 2018-01-12. Review status: criteria provided, single submitter. Criteria: ICSL Variant Classification Criteria 13 December 2019. Collection method: clinical testing. Allele origin: germline.